The following is an entry in ClinVar:

ClinVar aggregate classification (germline): Uncertain significance (1 of 4 stars; one submission).

Submission:

Labcorp Genetics (formerly Invitae), Labcorp
Classification: Uncertain significance. Last evaluated: 2024-02-23. Review status: criteria provided, single submitter. Criteria: Invitae Variant Classification Sherloc (09022015). Collection method: clinical testing. Allele origin: germline.
Comment: This sequence change replaces lysine, which is basic and polar, with glutamine, which is neutral and polar, at codon 265 of the RTN4IP1 protein (p.Lys265Gln). This variant is not present in population databases (gnomAD no frequency). This variant has not been reported in the literature in individuals affected with RTN4IP1-related conditions. Advanced modeling of protein sequence and biophysical properties (such as structural, functional, and spatial information, amino acid conservation, physicochemical variation, residue mobility, and thermodynamic stability) performed at Invitae indicates that this missense variant is not expected to disrupt RTN4IP1 protein function with a negative predictive value of 80%. In summary, the available evidence is currently insufficient to determine the role of this variant in disease. Therefore, it has been classified as a Variant of Uncertain Significance.

NM_032730.5(RTN4IP1):c.793A>C (p.Lys265Gln)

Gene: RTN4IP1 (reticulon 4 interacting protein 1; minus strand). Cytogenetic location: 6q21.
Variant type: single nucleotide variant.
Coding change: c.793A>C on transcript NM_032730.5 (MANE Select); coding-DNA position 793, A replaced by C.
Protein change: p.Lys265Gln; replaces lysine 265 with glutamine.
Molecular consequence: missense variant.
Genome position (GRCh38, 1-based): chr6:106,592,177, T>G on the plus strand (A>C on the coding strand, the complement: RTN4IP1 is on the minus strand). VCF-style: chr6-106592177-T-G. GRCh37 (hg19) VCF-style: chr6-107040052-T-G.
Other names: c.493A>C, p.Lys165Gln (NM_001318746.1); short protein forms K165Q, K265Q.
Identifiers: ClinVar variation 2754370 (VCV002754370.3), dbSNP rs2482332324, ClinGen allele CA365156308.